The following is an entry in ClinVar:

ClinVar aggregate classification (germline): Benign/Likely benign. Review status: criteria provided, multiple submitters, no conflicts (2 of 4 stars). 2 submissions from 2 submitters: Benign (1); Likely benign (1). Last evaluated 2021-09-29.

Submissions (2):

Women's Health and Genetics/Laboratory Corporation of America, LabCorp
Classification: Benign. Last evaluated: 2021-09-29. Review status: criteria provided, single submitter. Criteria: LabCorp Variant Classification Summary - May 2015. Collection method: clinical testing. Allele origin: germline.
Comment: Variant summary: STAT3 c.1365+143_1365+146delAAAA is located at a position not widely known to affect splicing. 4/4 computational tools predict no significant impact on normal splicing. However, these predictions have yet to be confirmed by functional studies. The variant allele was found at a frequency of 0.0092 in 31374 control chromosomes, predominantly at a frequency of 0.033 within the African or African-American subpopulation in the gnomAD database, including 7 homozygotes. The observed variant frequency within African or African-American control individuals in the gnomAD database is approximately 15000 fold of the estimated maximal expected allele frequency for a pathogenic variant in STAT3 causing Hyper IgE Syndrome phenotype (2.2e-06), strongly suggesting that the variant is a benign polymorphism found primarily in populations of African or African-American origin. To our knowledge, no occurrence of c.1365+143_1365+146delAAAA in individuals affected with Hyper IgE Syndrome and no experimental evidence demonstrating its impact on protein function have been reported. No clinical diagnostic laboratories have submitted clinical-significance assessments for this variant to ClinVar after 2014. Based on the evidence outlined above, the variant was classified as benign.

GeneDx
Classification: Likely benign. Last evaluated: 2021-03-28. Review status: criteria provided, single submitter. Criteria: GeneDx Variant Classification Process June 2021. Collection method: clinical testing. Allele origin: germline. Affected: yes.

NM_139276.3(STAT3):c.1365+143_1365+146del

Gene: STAT3 (signal transducer and activator of transcription 3; minus strand). Cytogenetic location: 17q21.2.
Variant type: Deletion.
Coding change: c.1365+143_1365+146del on transcript NM_139276.3 (MANE Select); bases 143 to 146 of the intron after coding-DNA position 1365, 4 bases deleted (AAAA; older notation c.1365+143_1365+146delAAAA).
Molecular consequence: intron variant.
Genome position (GRCh38, 1-based): chr17:42,325,970-42,325,973, TTTT deleted on the plus strand (AAAA on the coding strand, the reverse complement: STAT3 is on the minus strand); deleting any 4 consecutive bases within chr17:42,325,970-42,325,976 gives the same sequence; the c. name uses the placement nearest the transcript's 3' end. VCF-style (leftmost placement, unchanged base first): chr17-42325969-ATTTT-A. GRCh37 (hg19) VCF-style: chr17-40477987-ATTTT-A.
Other names: c.1269+143_1269+146del (NM_001384989.1); c.1305+143_1305+146del (NM_001384992.1); c.1282-912_1282-909del (NM_001384984.1); c.1365+143_1365+146del (NM_001369519.1, NM_003150.4, NM_001369517.1 and 11 more transcripts); c.1287+143_1287+146del (NM_001384985.1); c.1380+143_1380+146del (NM_001384986.1, NM_001384990.1).
Identifiers: ClinVar variation 1300285 (VCV001300285.2), dbSNP rs143987966, ClinGen allele CA290734105.